The following is an entry in ClinVar:

NM_001098668.4(SFTPA2):c.198A>G (p.Thr66=)

Gene: SFTPA2 (surfactant protein A2; minus strand). Cytogenetic location: 10q22.3.
Variant type: single nucleotide variant.
Coding change: c.198A>G on transcript NM_001098668.4 (MANE Select); coding-DNA position 198, A replaced by G.
Protein change: p.Thr66=; no amino-acid change (threonine 66 retained).
Molecular consequence: synonymous variant.
Genome position (GRCh38, 1-based): chr10:79,558,980, T>C on the plus strand (A>G on the coding strand, the complement: SFTPA2 is on the minus strand). VCF-style: chr10-79558980-T-C. GRCh37 (hg19) VCF-style: chr10-81318736-T-C.
Other names: c.198A>G, p.Thr66= (NM_001320813.2); c.228A>G, p.Thr76= (NM_001320814.1).
Identifiers: ClinVar variation 719470 (VCV000719470.6), dbSNP rs1713397, ClinGen allele CA5574159.

ClinVar aggregate classification (germline): Benign/Likely benign. Review status: criteria provided, multiple submitters, no conflicts (2 of 4 stars). 3 submissions from 3 submitters: Benign (1); Likely benign (1). 1 of the submissions does not count toward it. Last evaluated 2024-11-20.

Conditions:
SFTPA2-related disorder. Also called: SFTPA2-related condition.

Allele frequency attached by ClinVar (database versions not stated): 1000 Genomes Project 0.00060; 1000 Genomes Project 30x 0.00062.

Submissions (3):

Blueprint Genetics
Classification: Likely benign. Last evaluated: 2024-11-20. Review status: criteria provided, single submitter. Criteria: ACMG Guidelines, 2015. Collection method: clinical testing. Allele origin: germline.

Labcorp Genetics (formerly Invitae), Labcorp
Classification: Benign. Last evaluated: 2018-09-11. Review status: criteria provided, single submitter. Criteria: Invitae Variant Classification Sherloc (09022015). Collection method: clinical testing. Allele origin: germline.

PreventionGenetics, part of Exact Sciences
Classification: Likely benign for SFTPA2-related condition. Last evaluated: 2019-11-21. Review status: no assertion criteria provided. Collection method: clinical testing. Allele origin: germline. Not counted in ClinVar's aggregate classification.
Comment: This variant is classified as likely benign based on ACMG/AMP sequence variant interpretation guidelines (Richards et al. 2015 PMID: 25741868, with internal and published modifications).